The following is an entry in ClinVar:

NM_001148.6(ANK2):c.4249-33G>A

Gene: ANK2 (ankyrin 2; plus strand). Cytogenetic location: 4q26.
Variant type: single nucleotide variant.
Coding change: c.4249-33G>A on transcript NM_001148.6 (MANE Select); 33 bases into the intron before coding-DNA position 4249, G replaced by A.
Molecular consequence: intron variant.
Genome position (GRCh38, 1-based): chr4:113,345,867, G>A. VCF-style: chr4-113345867-G-A. GRCh37 (hg19) VCF-style: chr4-114267023-G-A.
Other names: c.4234-33G>A (NM_001386186.2, NM_001386148.2); c.4036-33G>A (NM_001354269.3); c.4114-33G>A (NM_001386187.2); c.4108-33G>A (NM_001386147.1, NM_001354261.2); c.4093-33G>A (NM_001386160.1); c.4198-33G>A (NM_001354254.2); c.4219-33G>A (NM_001354239.2, NM_001354252.2); c.4120-33G>A (NM_001354272.2); and 31 more.
Identifiers: ClinVar variation 671007 (VCV000671007.3), dbSNP rs9968405, ClinGen allele CA3051023.

ClinVar aggregate classification (germline): Benign. Review status: criteria provided, multiple submitters, no conflicts (2 of 4 stars). 3 submissions from 3 submitters: Benign (3). Last evaluated 2026-09-21.

Allele frequency attached by ClinVar (database versions not stated): gnomAD 0.99924 and 0.99971; TOPMed 0.99924; gnomAD exomes 0.99977 and 0.99970; 1000 Genomes Project 30x 0.99984; ExAC 0.99979; ESP Exome Variant Server 0.99977; 1000 Genomes Project 0.99980.
gnomAD v4.1: 1,611,813 of 1,612,358 alleles (100%); highest among the groups gnomAD compares: Middle Eastern, 100%; 805,637 homozygotes.

Submissions (3):

Molecular Diagnostic Laboratory for Inherited Cardiovascular Disease, Montreal Heart Institute
Classification: Benign. Last evaluated: 2026-09-21. Review status: criteria provided, single submitter. Criteria: ACMG Guidelines, 2015. Collection method: clinical testing. Allele origin: germline. Affected: no.

GeneDx
Classification: Benign. Last evaluated: 2018-06-14. Review status: criteria provided, single submitter. Criteria: GeneDx Variant Classification (06012015). Collection method: clinical testing. Allele origin: germline. Affected: yes.
Comment: This variant is considered likely benign or benign based on one or more of the following criteria: it is a conservative change, it occurs at a poorly conserved position in the protein, it is predicted to be benign by multiple in silico algorithms, and/or has population frequency not consistent with disease.

Breakthrough Genomics
Classification: Benign. Review status: criteria provided, single submitter. Criteria: ACMG Guidelines, 2015. Collection method: not provided. Allele origin: germline. Inheritance: Autosomal dominant inheritance. Affected: yes.